The following is an entry in ClinVar:

NM_005559.4(LAMA1):c.371T>C (p.Ile124Thr)

Gene: LAMA1 (laminin subunit alpha 1; minus strand). Cytogenetic location: 18p11.31.
Variant type: single nucleotide variant.
Coding change: c.371T>C on transcript NM_005559.4 (MANE Select); coding-DNA position 371, T replaced by C.
Protein change: p.Ile124Thr; replaces isoleucine 124 with threonine.
Molecular consequence: missense variant.
Genome position (GRCh38, 1-based): chr18:7,050,911, A>G on the plus strand (T>C on the coding strand, the complement: LAMA1 is on the minus strand). VCF-style: chr18-7050911-A-G. GRCh37 (hg19) VCF-style: chr18-7050910-A-G.
Other names: short protein forms I124T.
Identifiers: ClinVar variation 1032334 (VCV001032334.4), dbSNP rs200657079, ClinGen allele CA8883320.

ClinVar aggregate classification (germline): Uncertain significance. Review status: criteria provided, multiple submitters, no conflicts (2 of 4 stars). 3 submissions from 3 submitters: Uncertain significance (3). Last evaluated 2024-10-14.

Conditions:
Ataxia - intellectual disability - oculomotor apraxia - cerebellar cysts syndrome. Also called: Poretti-Boltshauser syndrome. Identifiers: Orphanet 370022, MedGen C4014821, MONDO:0014419, OMIM 615960.

Allele frequency attached by ClinVar (database versions not stated): ExAC 0.00008; ESP Exome Variant Server 0.00008; gnomAD exomes 0.00016 and 0.00039; TOPMed 0.00016; gnomAD 0.00021 and 0.00024.
gnomAD v4.1: 582 of 1,614,082 alleles (0.036%); highest among the groups gnomAD compares: Non-Finnish European, 0.048%; no homozygotes.

Submissions (3):

Blueprint Genetics
Classification: Uncertain significance. Last evaluated: 2024-10-14. Review status: criteria provided, single submitter. Criteria: ACMG Guidelines, 2015. Collection method: clinical testing. Allele origin: germline.

Labcorp Genetics (formerly Invitae), Labcorp
Classification: Uncertain significance. Last evaluated: 2021-09-24. Review status: criteria provided, single submitter. Criteria: Invitae Variant Classification Sherloc (09022015). Collection method: clinical testing. Allele origin: germline.
Comment: This sequence change replaces isoleucine with threonine at codon 124 of the LAMA1 protein (p.Ile124Thr). The isoleucine residue is highly conserved and there is a moderate physicochemical difference between isoleucine and threonine. This variant is present in population databases (rs200657079, ExAC 0.01%). This variant has not been reported in the literature in individuals with LAMA1-related conditions. Algorithms developed to predict the effect of missense changes on protein structure and function (SIFT, PolyPhen-2, Align-GVGD) all suggest that this variant is likely to be disruptive, but these predictions have not been confirmed by published functional studies and their clinical significance is uncertain. In summary, the available evidence is currently insufficient to determine the role of this variant in disease. Therefore, it has been classified as a Variant of Uncertain Significance.

Baylor Genetics
Classification: Uncertain significance for Ataxia - intellectual disability - oculomotor apraxia - cerebellar cysts syndrome. Last evaluated: 2018-04-11. Review status: criteria provided, single submitter. Criteria: ACMG Guidelines, 2015. Collection method: clinical testing. Allele origin: maternal. Affected: yes.
Comment: This variant was determined to be of uncertain significance according to ACMG Guidelines, 2015 [PMID:25741868].